The following is an entry in ClinVar:

NM_001370658.1(BTD):c.202C>G (p.Gln68Glu)

Gene: BTD (biotinidase; plus strand). Cytogenetic location: 3p25.1.
Variant type: single nucleotide variant.
Coding change: c.202C>G on transcript NM_001370658.1 (MANE Select); coding-DNA position 202, C replaced by G.
Protein change: p.Gln68Glu; replaces glutamine 68 with glutamic acid.
Molecular consequence: missense variant.
Genome position (GRCh38, 1-based): chr3:15,635,641, C>G. VCF-style: chr3-15635641-C-G. GRCh37 (hg19) VCF-style: chr3-15677148-C-G.
Other names: c.262C>G, p.Gln88Glu (NM_000060.4); c.202C>G, p.Gln68Glu (NM_001281723.4, NM_001281724.3, NM_001281725.3 and 37 more transcripts); short protein forms Q68E.
Identifiers: ClinVar variation 385308 (VCV000385308.30), dbSNP rs151071780, ClinGen allele CA2277272.

ClinVar aggregate classification (germline): Conflicting classifications of pathogenicity. Review status: criteria provided, conflicting classifications (1 of 4 stars). 11 submissions from 11 submitters: Uncertain significance (3); Benign (1); Likely benign (3). 4 of the submissions do not count toward it. Last evaluated 2026-03-01.

Conditions:
Inborn genetic diseases. Identifiers: MedGen C0950123, MeSH D030342.
Biotinidase deficiency. Also called: BTD deficiency; Late-onset biotin-responsive multiple carboxylase deficiency; Biotin deficiency. Identifiers: Orphanet 79241, MedGen C0220754, MONDO:0009665, OMIM 253260.
BTD-related disorder. Also called: BTD-related condition.

Allele frequency attached by ClinVar (database versions not stated): 1000 Genomes Project 30x 0.00031; 1000 Genomes Project 0.00040; TOPMed 0.00103; gnomAD 0.00163 and 0.00167; ExAC 0.00184; gnomAD exomes 0.00184; ESP Exome Variant Server 0.00185.
gnomAD v4.1: 3,310 of 1,614,198 alleles (0.21%); highest among the groups gnomAD compares: Non-Finnish European, 0.22%; 10 homozygotes.

Submissions (11):

CeGaT Center for Human Genetics Tuebingen
Classification: Likely benign. Last evaluated: 2026-03-01. Review status: criteria provided, single submitter. Criteria: CeGaT Center For Human Genetics Tuebingen Variant Classification Criteria Version 2. Collection method: clinical testing. Allele origin: germline. Affected: yes. Observed: 1 variant allele.
Comment: BTD: BP4

Labcorp Genetics (formerly Invitae), Labcorp
Classification: Benign for Biotinidase deficiency. Last evaluated: 2026-02-03. Review status: criteria provided, single submitter. Criteria: Invitae Variant Classification Sherloc (09022015). Collection method: clinical testing. Allele origin: germline.

GeneDx
Classification: Uncertain significance. Last evaluated: 2025-06-30. Review status: criteria provided, single submitter. Criteria: GeneDx Variant Classification Process June 2021. Collection method: clinical testing. Allele origin: germline. Affected: yes.
Comment: In silico analysis suggests that this missense variant does not alter protein structure/function; Has not been previously published as pathogenic or benign to our knowledge

Blueprint Genetics
Classification: Likely benign. Last evaluated: 2024-11-26. Review status: criteria provided, single submitter. Criteria: ACMG Guidelines, 2015. Collection method: clinical testing. Allele origin: germline.

Ambry Genetics
Classification: Likely benign for Inborn genetic diseases. Last evaluated: 2022-05-06. Review status: criteria provided, single submitter. Criteria: Ambry Variant Classification Scheme 2023. Collection method: clinical testing. Allele origin: germline.

Quest Diagnostics Nichols Institute San Juan Capistrano
Classification: Uncertain significance. Last evaluated: 2019-04-17. Review status: criteria provided, single submitter. Criteria: Quest Diagnostics criteria. Collection method: clinical testing. Allele origin: germline.

ARUP Laboratories, Molecular Genetics and Genomics, ARUP Laboratories
Classification: Uncertain significance. Last evaluated: 2017-09-29. Review status: criteria provided, single submitter. Criteria: ARUP Molecular Germline Variant Investigation Process. Collection method: clinical testing. Allele origin: germline.

Natera, Inc.
Classification: Uncertain significance for Biotinidase deficiency. Last evaluated: 2020-09-16. Review status: no assertion criteria provided. Collection method: clinical testing. Allele origin: germline. Not counted in ClinVar's aggregate classification.

PreventionGenetics, part of Exact Sciences
Classification: Benign for BTD-related condition. Last evaluated: 2019-05-27. Review status: no assertion criteria provided. Collection method: clinical testing. Allele origin: germline. Not counted in ClinVar's aggregate classification.
Comment: This variant is classified as benign based on ACMG/AMP sequence variant interpretation guidelines (Richards et al. 2015 PMID: 25741868, with internal and published modifications).

Clinical Genetics DNA and cytogenetics Diagnostics Lab, Erasmus MC, Erasmus Medical Center
Classification: Likely benign. Review status: no assertion criteria provided. Collection method: clinical testing. Allele origin: germline. Affected: yes. Study: VKGL Data-share Consensus. Not counted in ClinVar's aggregate classification.

Diagnostic Laboratory, Department of Genetics, University Medical Center Groningen
Classification: Likely benign. Review status: no assertion criteria provided. Collection method: clinical testing. Allele origin: germline. Affected: yes. Study: VKGL Data-share Consensus. Not counted in ClinVar's aggregate classification.